The following is an entry in ClinVar:

ClinVar aggregate classification (germline): Uncertain significance. Review status: criteria provided, multiple submitters, no conflicts (2 of 4 stars). 6 submissions from 6 submitters: Uncertain significance (6). Last evaluated 2025-12-31.

Conditions:
Cardiomyopathy (CMYO). Also called: Cardiomyopathies. Identifiers: Orphanet 167848, MedGen C0878544, MONDO:0004994, HP:0001638. Inheritance: Various modes of inheritance.
Arrhythmogenic right ventricular dysplasia 10. Also called: Arrhythmogenic right ventricular dysplasia/cardiomyopathy, type 10; Arrhythmogenic Right Ventricular Dysplasia/Cardiomyopathy10; ARRHYTHMOGENIC RIGHT VENTRICULAR DYSPLASIA, FAMILIAL, 10. Identifiers: MedGen C1857777, MONDO:0012434, OMIM 610193.
Cardiovascular phenotype. Identifiers: MedGen CN230736.
Dilated cardiomyopathy 1BB (CMD1BB). Also called: CARDIOMYOPATHY, DILATED, 1BB, SUSCEPTIBILITY TO. Identifiers: Orphanet 154, MedGen C2752072, MONDO:0013030, OMIM 612877.
Arrhythmogenic right ventricular cardiomyopathy (ARVD). Also called: Cardiomyopathy, ARVC; Arrhythmogenic right ventricular dysplasia; Arrhythmogenic cardiomyopathy; Arrhythmogenic Right Ventricular Cardiomyopathy (ARVC). Identifiers: Orphanet 247, MedGen C0349788, MeSH D019571, MONDO:0016587. Disease mechanism: loss of function. Inheritance: Various modes of inheritance.

Allele frequency attached by ClinVar (database versions not stated): gnomAD 0.00003; TOPMed 0.00004; ESP Exome Variant Server 0.00008; gnomAD exomes 0.00001; ExAC 0.00002.

Submissions (6):

Labcorp Genetics (formerly Invitae), Labcorp
Classification: Uncertain significance for Arrhythmogenic right ventricular dysplasia 10. Last evaluated: 2025-12-31. Review status: criteria provided, single submitter. Criteria: Invitae Variant Classification Sherloc (09022015). Collection method: clinical testing. Allele origin: germline.
Comment: This sequence change replaces alanine, which is neutral and non-polar, with threonine, which is neutral and polar, at codon 241 of the DSG2 protein (p.Ala241Thr). This variant is present in population databases (rs371918777, gnomAD 0.01%). This variant has not been reported in the literature in individuals affected with DSG2-related conditions. ClinVar contains an entry for this variant (Variation ID: 1677394). Invitae Evidence Modeling of protein sequence and biophysical properties (such as structural, functional, and spatial information, amino acid conservation, physicochemical variation, residue mobility, and thermodynamic stability) has been performed for this missense variant. However, the output from this modeling did not meet the statistical confidence thresholds required to predict the impact of this variant on DSG2 protein function. In summary, the available evidence is currently insufficient to determine the role of this variant in disease. Therefore, it has been classified as a Variant of Uncertain Significance.

Ambry Genetics
Classification: Uncertain significance for Cardiovascular phenotype. Last evaluated: 2024-09-30. Review status: criteria provided, single submitter. Criteria: Ambry Variant Classification Scheme 2023. Collection method: clinical testing. Allele origin: germline.
Comment: The p.A241T variant (also known as c.721G>A), located in coding exon 7 of the DSG2 gene, results from a G to A substitution at nucleotide position 721. The alanine at codon 241 is replaced by threonine, an amino acid with similar properties. This amino acid position is not well conserved in available vertebrate species. In addition, this alteration is predicted to be deleterious by in silico analysis. Since supporting evidence is limited at this time, the clinical significance of this alteration remains unclear.

All of Us Research Program, National Institutes of Health
Classification: Uncertain significance for Arrhythmogenic right ventricular cardiomyopathy. Last evaluated: 2024-08-06. Review status: criteria provided, single submitter. Criteria: ACMG Guidelines, 2015. Collection method: clinical testing. Allele origin: germline. Inheritance: Autosomal dominant inheritance. Observed: 2 variant alleles, 2 heterozygotes.
Comment: This missense variant replaces alanine with threonine at codon 241 of the DSG2 protein. Computational prediction suggests that this variant may have deleterious impact on protein structure and function (internally defined REVEL score threshold >= 0.7, PMID: 27666373). To our knowledge, functional studies have not been reported for this variant. This variant has not been reported in individuals affected with DSG2-related disorders in the literature. This variant has been identified in 2/248992 chromosomes in the general population by the Genome Aggregation Database (gnomAD). The available evidence is insufficient to determine the role of this variant in disease conclusively. Therefore, this variant is classified as a Variant of Uncertain Significance.

This study involves interpretation of variants in research participants for the purpose of population health screening. Participant phenotype was not available at the time of variant classification. Additional details can be found in publication PMID: 35346344, PMCID: PMC8962531

Color Diagnostics, LLC DBA Color Health
Classification: Uncertain significance for Cardiomyopathy. Last evaluated: 2023-11-08. Review status: criteria provided, single submitter. Criteria: ACMG Guidelines, 2015. Collection method: clinical testing. Allele origin: germline.
Comment: This missense variant replaces alanine with threonine at codon 241 of the DSG2 protein. Computational prediction suggests that this variant may have deleterious impact on protein structure and function. To our knowledge, functional studies have not been reported for this variant. This variant has not been reported in individuals affected with DSG2-related disorders in the literature. This variant has been identified in 2/248992 chromosomes in the general population by the Genome Aggregation Database (gnomAD). The available evidence is insufficient to determine the role of this variant in disease conclusively. Therefore, this variant is classified as a Variant of Uncertain Significance.

Fulgent Genetics
Classification: Uncertain significance for Arrhythmogenic right ventricular dysplasia 10; Dilated cardiomyopathy 1BB. Last evaluated: 2021-09-10. Review status: criteria provided, single submitter. Criteria: ACMG Guidelines, 2015. Collection method: clinical testing. Allele origin: unknown.

AiLife Diagnostics
Classification: Uncertain significance. Last evaluated: 2021-07-22. Review status: criteria provided, single submitter. Criteria: ACMG Guidelines, 2015. Collection method: clinical testing. Allele origin: germline. Affected: yes. Observed: 1 variant allele.

NM_001943.5(DSG2):c.721G>A (p.Ala241Thr)

Gene: DSG2 (desmoglein 2; plus strand). Cytogenetic location: 18q12.1.
Variant type: single nucleotide variant.
Coding change: c.721G>A on transcript NM_001943.5 (MANE Select); coding-DNA position 721, G replaced by A.
Protein change: p.Ala241Thr; replaces alanine 241 with threonine.
Molecular consequence: missense variant.
Genome position (GRCh38, 1-based): chr18:31,524,478, G>A. VCF-style: chr18-31524478-G-A. GRCh37 (hg19) VCF-style: chr18-29104441-G-A.
Other names: short protein forms A241T.
Identifiers: ClinVar variation 1677394 (VCV001677394.12), dbSNP rs371918777, ClinGen allele CA049829.